The following is an entry in ClinVar:

NM_006267.5(RANBP2):c.967G>C (p.Ala323Pro)

Gene: RANBP2 (RAN binding protein 2; plus strand). Cytogenetic location: 2q13.
Variant type: single nucleotide variant.
Coding change: c.967G>C on transcript NM_006267.5 (MANE Select); coding-DNA position 967, G replaced by C.
Protein change: p.Ala323Pro; replaces alanine 323 with proline.
Molecular consequence: missense variant.
Genome position (GRCh38, 1-based): chr2:108,740,673, G>C. VCF-style: chr2-108740673-G-C. GRCh37 (hg19) VCF-style: chr2-109357129-G-C.
Other names: short protein forms A323P.
Identifiers: ClinVar variation 537212 (VCV000537212.6), dbSNP rs1553485268, ClinGen allele CA348044019.

ClinVar aggregate classification (germline): Uncertain significance (1 of 4 stars; one submission).

Conditions:
Familial acute necrotizing encephalopathy (IIAE3). Also called: Susceptibility to Acute Necrotizing Encephalopathy 1; ENCEPHALOPATHY, ACUTE, INFECTION-INDUCED, SUSCEPTIBILITY TO, 3. Identifiers: Orphanet 88619, MedGen C2675556, MONDO:0011953, OMIM 608033.

Submission:

Labcorp Genetics (formerly Invitae), Labcorp
Classification: Uncertain significance for Familial acute necrotizing encephalopathy. Last evaluated: 2017-08-20. Review status: criteria provided, single submitter. Criteria: Invitae Variant Classification Sherloc (09022015). Collection method: clinical testing. Allele origin: germline.
Comment: In summary, the available evidence is currently insufficient to determine the role of this variant in disease. Therefore, it has been classified as a Variant of Uncertain Significance. Algorithms developed to predict the effect of missense changes on protein structure and function do not agree on the potential impact of this missense change (SIFT: "Deleterious"; PolyPhen-2: "Benign"; Align-GVGD: "Class C25"). This variant has not been reported in the literature in individuals with RANBP2-related disease. This variant is not present in population databases (ExAC no frequency). This sequence change replaces alanine with proline at codon 323 of the RANBP2 protein (p.Ala323Pro). The alanine residue is highly conserved and there is a small physicochemical difference between alanine and proline.